The following is an entry in ClinVar:

NM_021155.4(CD209):c.566A>T (p.Gln189Leu)

Gene: CD209 (CD209 molecule; minus strand). Cytogenetic location: 19p13.2.
Variant type: single nucleotide variant.
Coding change: c.566A>T on transcript NM_021155.4 (MANE Select); coding-DNA position 566, A replaced by T.
Protein change: p.Gln189Leu; replaces glutamine 189 with leucine.
Molecular consequence: missense variant. On other transcripts: non-coding transcript variant (1), intron variant (3).
Genome position (GRCh38, 1-based): chr19:7,745,700, T>A on the plus strand (A>T on the coding strand, the complement: CD209 is on the minus strand). VCF-style: chr19-7745700-T-A. GRCh37 (hg19) VCF-style: chr19-7810586-T-A.
Other names: c.434A>T, p.Gln145Leu (NM_001144894.2); c.494A>T, p.Gln165Leu (NM_001144896.2); c.566A>T, p.Gln189Leu (NM_001144897.2); c.340+94A>T (NM_001144893.2); c.265+301A>T (NM_001144899.2); c.472+94A>T (NM_001144895.2); short protein forms Q145L, Q165L, Q189L.
Identifiers: ClinVar variation 827974 (VCV000827974.5), dbSNP rs749759932, ClinGen allele CA9146012.

ClinVar aggregate classification (germline): Uncertain significance. Review status: criteria provided, multiple submitters, no conflicts (2 of 4 stars). 2 submissions from 2 submitters: Uncertain significance (2).

Conditions:
Dengue virus, susceptibility to. Identifiers: Orphanet 99828, MedGen C3280582, MONDO:0013713, OMIM 614371.
Susceptibility to HIV infection. Also called: HUMAN IMMUNODEFICIENCY VIRUS TYPE 1, RESISTANCE TO; Human immunodeficiency virus type 1, susceptibility to; HIV-1, SUSCEPTIBILITY TO. Identifiers: MedGen C1836230, MONDO:0004951, OMIM 609423.
Mycobacterium tuberculosis, susceptibility to. Identifiers: MedGen C1834752, OMIM 607948.

Allele frequency attached by ClinVar (database versions not stated): ExAC 0.00002; gnomAD 0.00071.

Submissions (2):

Breakthrough Genomics
Classification: Uncertain significance. Review status: criteria provided, single submitter. Criteria: ACMG Guidelines, 2015. Collection method: not provided. Allele origin: germline. Inheritance: Unknown mechanism. Affected: yes.

Center for Genomics, Ann and Robert H. Lurie Children's Hospital of Chicago
Classification: Uncertain significance for Susceptibility to HIV infection; Mycobacterium tuberculosis, susceptibility to; Dengue virus, susceptibility to. Review status: criteria provided, single submitter. Criteria: ACMG Guidelines, 2015. Collection method: clinical testing. Allele origin: germline.
Comment: CD209 NM_021155.3 exon 4 p.Gln189Leu (c.566A>T): This variant has not been reported in the literature and is not present in large control databases. Evolutionary conservation and computational predictive tools suggest that this variant may not impact the protein. In summary, data on this variant is insufficient for disease classification. Therefore, the clinical significance of this variant is uncertain